The following continues an entry in ClinVar:

NM_000219.6(KCNE1):c.253G>A (p.Asp85Asn)

Gene: KCNE1. ClinVar aggregate classification (germline): Conflicting classifications of pathogenicity; other; risk factor. Uncertain significance (2); Benign (6); Likely benign (7).

Submissions 17 to 24 of 24:

Biesecker Lab/Clinical Genomics Section, National Institutes of Health
Classification: Benign for Long QT syndrome. Last evaluated: 2013-06-24. Review status: criteria provided, single submitter. Criteria: Ng et al. (Circ Cardiovasc Genet. 2013). Collection method: research. Allele origin: unknown. Observed: 24 variant alleles. Study: ClinSeq.
Comment: The study set was not selected for affection status in relation to any cancer. HGMD phenotype assertion is uncertain. Pathogenicity categories were based on literature curation. See Pubmed ID:23861362 for details.

Medical sequencing

Center for Genomics, Ann and Robert H. Lurie Children's Hospital of Chicago
Classification: Uncertain significance for Jervell and Lange-Nielsen syndrome 2; Long QT syndrome 5. Review status: criteria provided, single submitter. Criteria: ACMG Guidelines, 2015. Collection method: clinical testing. Allele origin: germline.
Comment: KCNE1 NM_000219.4 exon 4 p.Asp85Asn (c.253G>A): This variant has been reported in the literature in several individuals with LQTS and is reported to be overrepresented in this patient population compared to control individuals (Westenskow 2004 PMID:15051636, Nishio 2009 PMID:19695459, Kaab 2012 PMID:22100668, Weeke 2014 PMID:24561134, Maltese 2017 PMID:28003625, Lane 2018 PMID:29625280). Several authors in the literature suggest that this variant may act as a risk allele or modifying allele (Gouas 2005 PMID:16132053, Lahtinen 2011 PMID:21244686, Weeke 2014 PMID:24561134, Lane 2018 PMID:29625280). However, this variant is also present in 2.5% (263/10368) of Ashkenazi Jewish alleles in the Genome Aggregation Database, including 5 homozygotes, suggesting that it may be a benign polymorphism. This variant is present in ClinVar (Variation ID:13479). Evolutionary conservation and computational predictive tools for this variant are unclear. In vitro functional studies do predict that this variant will impact the protein (Gouas 2005 PMID:16132053, Nishio 2009 PMID:19695459, Nof 2011 PMID:21712262, Du 2013 PMID:24400172). However, these studies may not accurately represent in vivo biological function. In summary, data on this variant is insufficient for disease classification. Therefore, the clinical significance of this variant is uncertain.

OMIM
Classification: risk factor for LONG QT SYNDROME 5, ACQUIRED, SUSCEPTIBILITY TO. Last evaluated: 2006-08-01. Review status: no assertion criteria provided. Collection method: literature only. Allele origin: germline. Not counted in ClinVar's aggregate classification.

Cardiovascular Biomedical Research Unit, Royal Brompton & Harefield NHS Foundation Trust
No classification provided. Review status: no classification provided. Collection method: literature only. Allele origin: germline. Not counted in ClinVar's aggregate classification.
Comment: This variant has been reported in the following publications (PMID:9445165;PMID:10807545;PMID:12402336;PMID:14661677;PMID:14760488;PMID:15051636;PMID:15599693;PMID:16132053;PMID:16266404;PMID:16487223;PMID:16887036;PMID:17016049;PMID:17161064;PMID:17210839;PMID:18426444;PMID:19695459;PMID:20823649;PMID:21244686;PMID:21712262;PMID:22100668;PMID:22378279).

Department of Pathology and Laboratory Medicine, Sinai Health System
Classification: Likely benign. Review status: no assertion criteria provided. Collection method: clinical testing. Allele origin: unknown. Affected: yes. Study: The Canadian Open Genetics Repository (COGR). Not counted in ClinVar's aggregate classification.
Comment: The KCNE1 p.D85N variant was identified in 93 of 4968 proband chromosomes (frequency: 0.0187) from individuals or families with Long QT syndrome (LQTS), however many of these individuals carried variants in other LQTS-related genes (Nishio_2009_PMID:19695459; Lahtinen_2011_PMID:21244686; Kaab_2012_PMID:22100668; Hasegawa_2014, Lane_2018_PMID:29625280). Another family was reported in which the LQTS-affected proband and daughter carried the KCNE1 p.D85N and KCNH2 p.E58K variants; These findings suggest that the p.D85N variant may contribute to or modify disease but likely is not causal. Functional studies demonstrated that the KCNE1 p.D85N variant modified KCNQ1/KCNE1 currents, however this was attenuated when tested in conjunction with another LQTS-associated variant (Hasegawa_2014, Nishio_2009_PMID:19695459). The variant was identified in dbSNP (ID: rs1805128) and ClinVar (classified as benign by Invitae, EGL Genetics and three other laboratories, as likely benign by Laboratory for Molecular Medicine, Ambry Genetics and Illumina, as uncertain significance by Integrated Genetics and CeGaT Praxis fuer Humangenetik Tuebingen, as risk factor by Blueprint Genetics and Human Genome Sequencing Center Clinical Lab, Baylor College of Medicine and as likely pathogenic by Medical Research Institute, Tokyo Medical and Dental University). The variant was identified in control databases in 2637 of 282814 chromosomes (22 homozygous) at a frequency of 0.009324 increasing the likelihood this could be a low frequency benign variant (Genome Aggregation Database March 6, 2019, v2.1.1). The variant was observed in the following populations: Ashkenazi Jewish in 263 of 10368 chromosomes (freq: 0.02537), European (Finnish) in 424 of 25120 chromosomes (freq: 0.01688), European (non-Finnish) in 1580 of 129142 chromosomes (freq: 0.01223), Other in 65 of 7228 chromosomes (freq: 0.008993), East Asian in 111 of 19946 chromosomes (freq: 0.005565), Latino in 97 of 35438 chromosomes (freq: 0.002737), African in 54 of 24956 chromosomes (freq: 0.002164), and South Asian in 43 of 30616 chromosomes (freq: 0.001404). The p.D85 residue is conserved in mammals however four of five computational analyses (PolyPhen-2, SIFT, AlignGVGD, BLOSUM, MutationTaster) do not suggest a high likelihood of impact to the protein; this information is not predictive enough to rule out pathogenicity. The variant occurs outside of the splicing consensus sequence and in silico or computational prediction software programs (SpliceSiteFinder, MaxEntScan, NNSPLICE, GeneSplicer) do not predict a difference in splicing. In summary, based on the above information the clinical significance of this variant cannot be determined with certainty at this time although we would lean towards a more benign role for this variant. This variant is classified as likely benign.

Roden Lab, Vanderbilt University Medical Center
No classification provided (evidence only). Condition: Long QT syndrome 5. Review status: no classification provided. Collection method: in vitro. Allele origin: not applicable. Functional consequence: Effect on ion channel function. Not counted in ClinVar's aggregate classification.
ClinVar note: "not provided" was previously submitted as the classification for the variant. However, the classification appeared to be based only on an observation of functional data so it was converted to no classification on 2025-07-30.

OMIM
Classification: Pathogenic for LONG QT SYNDROME 2/5, DIGENIC. Last evaluated: 2006-08-01. Review status: flagged submission. Collection method: literature only. Allele origin: germline. Not counted in ClinVar's aggregate classification.
ClinVar note: Reason: Outlier claim with insufficient supporting evidence

Medical Research Institute, Tokyo Medical and Dental University
Classification: Likely pathogenic for Long QT syndrome. Review status: flagged submission. Collection method: research. Allele origin: germline. Affected: yes. Not counted in ClinVar's aggregate classification.
ClinVar note: Reason: Outlier claim with insufficient supporting evidence

Literature cited by the submitters: PubMed 16922724 (cited by Women's Health and Genetics/Laboratory Corporation of America, LabCorp); PubMed 19305408 (cited by Women's Health and Genetics/Laboratory Corporation of America, LabCorp); PubMed 14661677 (cited by Women's Health and Genetics/Laboratory Corporation of America, LabCorp and Cardiovascular Biomedical Research Unit, Royal Brompton & Harefield NHS Foundation Trust); PubMed 21712262 (cited by Women's Health and Genetics/Laboratory Corporation of America, LabCorp and Cardiovascular Biomedical Research Unit, Royal Brompton & Harefield NHS Foundation Trust); PubMed 21244686 (cited by Women's Health and Genetics/Laboratory Corporation of America, LabCorp and Cardiovascular Biomedical Research Unit, Royal Brompton & Harefield NHS Foundation Trust); PubMed 19695459 (cited by 4 submitters); PubMed 20823649 (cited by Women's Health and Genetics/Laboratory Corporation of America, LabCorp and Cardiovascular Biomedical Research Unit, Royal Brompton & Harefield NHS Foundation Trust); PubMed 26743238 (cited by Women's Health and Genetics/Laboratory Corporation of America, LabCorp); PubMed 25737393 (cited by Women's Health and Genetics/Laboratory Corporation of America, LabCorp); PubMed 28003625 (cited by Women's Health and Genetics/Laboratory Corporation of America, LabCorp); PubMed 24400172 (cited by Women's Health and Genetics/Laboratory Corporation of America, LabCorp); PubMed 24499369 (cited by Women's Health and Genetics/Laboratory Corporation of America, LabCorp); PubMed 29625280 (cited by Women's Health and Genetics/Laboratory Corporation of America, LabCorp); PubMed 30910390 (cited by Women's Health and Genetics/Laboratory Corporation of America, LabCorp); PubMed 31308327 (cited by Women's Health and Genetics/Laboratory Corporation of America, LabCorp); PubMed 31376648 (cited by Women's Health and Genetics/Laboratory Corporation of America, LabCorp); PubMed 30847666 (cited by Women's Health and Genetics/Laboratory Corporation of America, LabCorp); PubMed 32429735 (cited by Women's Health and Genetics/Laboratory Corporation of America, LabCorp); PubMed 14760488 (cited by 4 submitters); PubMed 15051636 (cited by 3 submitters); PubMed 16132053 (cited by Laboratory for Molecular Medicine, Mass General Brigham Personalized Medicine and Cardiovascular Biomedical Research Unit, Royal Brompton & Harefield NHS Foundation Trust); PubMed 17161064 (cited by Laboratory for Molecular Medicine, Mass General Brigham Personalized Medicine and Cardiovascular Biomedical Research Unit, Royal Brompton & Harefield NHS Foundation Trust); PubMed 22100668 (cited by Laboratory for Molecular Medicine, Mass General Brigham Personalized Medicine and Cardiovascular Biomedical Research Unit, Royal Brompton & Harefield NHS Foundation Trust); PubMed 16823764 (cited by Laboratory for Molecular Medicine, Mass General Brigham Personalized Medicine and OMIM); PubMed 8899564 (cited by OMIM); PubMed 9445165 (cited by Cardiovascular Biomedical Research Unit, Royal Brompton & Harefield NHS Foundation Trust); PubMed 10807545 (cited by Cardiovascular Biomedical Research Unit, Royal Brompton & Harefield NHS Foundation Trust); PubMed 12402336 (cited by Cardiovascular Biomedical Research Unit, Royal Brompton & Harefield NHS Foundation Trust); PubMed 15599693 (cited by Cardiovascular Biomedical Research Unit, Royal Brompton & Harefield NHS Foundation Trust); PubMed 16266404 (cited by Cardiovascular Biomedical Research Unit, Royal Brompton & Harefield NHS Foundation Trust); PubMed 16487223 (cited by Cardiovascular Biomedical Research Unit, Royal Brompton & Harefield NHS Foundation Trust); PubMed 16887036 (cited by Cardiovascular Biomedical Research Unit, Royal Brompton & Harefield NHS Foundation Trust); PubMed 17016049 (cited by Cardiovascular Biomedical Research Unit, Royal Brompton & Harefield NHS Foundation Trust); PubMed 17210839 (cited by Cardiovascular Biomedical Research Unit, Royal Brompton & Harefield NHS Foundation Trust); PubMed 18426444 (cited by Cardiovascular Biomedical Research Unit, Royal Brompton & Harefield NHS Foundation Trust); PubMed 22378279 (cited by Cardiovascular Biomedical Research Unit, Royal Brompton & Harefield NHS Foundation Trust); PubMed 22581653 (cited by Cardiovascular Biomedical Research Unit, Royal Brompton & Harefield NHS Foundation Trust); PubMed 26132555 (cited by Medical Research Institute, Tokyo Medical and Dental University).